The following is an entry in ClinVar:

NM_198859.4(PRICKLE2):c.259-6A>G

Gene: PRICKLE2 (prickle planar cell polarity protein 2; minus strand). Cytogenetic location: 3p14.1.
Variant type: single nucleotide variant.
Coding change: c.259-6A>G on transcript NM_198859.4 (MANE Select); 6 bases into the intron before coding-DNA position 259, A replaced by G.
Molecular consequence: intron variant.
Genome position (GRCh38, 1-based): chr3:64,160,083, T>C on the plus strand (A>G on the coding strand, the complement: PRICKLE2 is on the minus strand). VCF-style: chr3-64160083-T-C. GRCh37 (hg19) VCF-style: chr3-64145759-T-C.
Other names: c.259-6A>G (NM_001370528.1).
Identifiers: ClinVar variation 130033 (VCV000130033.18), dbSNP rs2306380, ClinGen allele CA154774.
Genomic context (GRCh38, chr3:64,160,083, plus strand): 5'-TGAAAAGCTTCAGCTCCCTCTTCTCTTCCTCATCCAGGGAGTTGCAATATCGAACCTGAA[T>C]AGACACAGACAATGGCATGGAAAAAGTCACCCTTGCTCCTTAAGATTTCTGAAGCCCATG-3'

ClinVar aggregate classification (germline): Benign. Review status: criteria provided, multiple submitters, no conflicts (2 of 4 stars). 5 submissions from 5 submitters: Benign (4). 1 of the submissions does not count toward it. Last evaluated 2026-02-03.

Conditions:
Progressive myoclonic epilepsy. Also called: Familial progressive myoclonic epilepsy; Myoclonic Epilepsies, Progressive; Myoclonus epilepsy; Progressive myoclonus epilepsy. Identifiers: Orphanet 308, Orphanet 98261, MedGen C0751778, MONDO:0020074.
Progressive myoclonic epilepsy type 5. Identifiers: Orphanet 402082, MedGen C5190799.

Allele frequency attached by ClinVar (database versions not stated): 1000 Genomes Project 0.30232; 1000 Genomes Project 30x 0.30528; gnomAD exomes 0.33298 and 0.37209; TOPMed 0.33431; ExAC 0.33526; gnomAD 0.34955 and 0.35289; ESP Exome Variant Server 0.35730.
gnomAD v4.1: 595,597 of 1,611,922 alleles (37%); highest among the groups gnomAD compares: Non-Finnish European, 39%; 112,681 homozygotes.

Submissions (5):

Labcorp Genetics (formerly Invitae), Labcorp
Classification: Benign for Progressive myoclonic epilepsy type 5. Last evaluated: 2026-02-03. Review status: criteria provided, single submitter. Criteria: Invitae Variant Classification Sherloc (09022015). Collection method: clinical testing. Allele origin: germline.

Athena Diagnostics
Classification: Benign. Last evaluated: 2018-05-07. Review status: criteria provided, single submitter. Criteria: Athena Diagnostics Criteria. Collection method: clinical testing. Allele origin: germline.

Illumina Laboratory Services, Illumina
Classification: Benign for Progressive myoclonic epilepsy. Last evaluated: 2018-01-12. Review status: criteria provided, single submitter. Criteria: ICSL Variant Classification Criteria 13 December 2019. Collection method: clinical testing. Allele origin: germline.
Comment: This variant was observed in the ICSL laboratory as part of a predisposition screen in an ostensibly healthy population. It had not been previously curated by ICSL or reported in the Human Gene Mutation Database (HGMD: prior to June 1st, 2018), and was therefore a candidate for classification through an automated scoring system. Utilizing variant allele frequency, disease prevalence and penetrance estimates, and inheritance mode, an automated score was calculated to assess if this variant is too frequent to cause the disease. Based on the score and internal cut-off values, a variant classified as benign is not then subjected to further curation. The score for this variant resulted in a classification of benign for this disease.

Breakthrough Genomics
Classification: Benign. Review status: criteria provided, single submitter. Criteria: ACMG Guidelines, 2015. Collection method: not provided. Allele origin: germline. Inheritance: Unknown mechanism. Affected: yes.

Genetic Services Laboratory, University of Chicago
Classification: Likely benign for AllHighlyPenetrant. Review status: no assertion criteria provided. Collection method: clinical testing. Allele origin: germline. Inheritance: Autosomal dominant inheritance. Not counted in ClinVar's aggregate classification.
Comment: Likely benign based on allele frequency in 1000 Genomes Project or ESP global frequency and its presence in a patient with a rare or unrelated disease phenotype. NOT Sanger confirmed.